The following is an entry in ClinVar:

ClinVar aggregate classification (germline): Uncertain significance (1 of 4 stars; one submission).

Conditions:
Hereditary cancer-predisposing syndrome. Also called: Neoplastic Syndromes, Hereditary; Tumor predisposition; Hereditary Cancer Syndrome; Hereditary neoplastic syndrome. Identifiers: Orphanet 140162, MedGen C0027672, MeSH D009386, MONDO:0015356.

Submission:

Ambry Genetics
Classification: Uncertain significance for Hereditary cancer-predisposing syndrome. Last evaluated: 2026-04-15. Review status: criteria provided, single submitter. Criteria: Ambry Variant Classification Scheme 2023. Collection method: clinical testing. Allele origin: germline.
Comment: The p.K629N variant (also known as c.1887A>T), located in coding exon 14 of the POLD1 gene, results from an A to T substitution at nucleotide position 1887. The lysine at codon 629 is replaced by asparagine, an amino acid with similar properties. This amino acid position is conserved. In addition, this alteration is predicted to be tolerated by in silico analysis. Based on the available evidence, the clinical significance of this variant remains unclear.

NM_002691.4(POLD1):c.1887A>T (p.Lys629Asn)

Gene: POLD1 (DNA polymerase delta 1, catalytic subunit; plus strand). Cytogenetic location: 19q13.33.
Variant type: single nucleotide variant.
Coding change: c.1887A>T on transcript NM_002691.4 (MANE Select); coding-DNA position 1887, A replaced by T.
Protein change: p.Lys629Asn; replaces lysine 629 with asparagine.
Molecular consequence: missense variant. On other transcripts: non-coding transcript variant (1).
Genome position (GRCh38, 1-based): chr19:50,408,896, A>T. VCF-style: chr19-50408896-A-T. GRCh37 (hg19) VCF-style: chr19-50912153-A-T.
Other names: c.1887A>T, p.Lys629Asn (NM_001256849.1, NM_001438210.1, NM_001438211.1 and 2 more transcripts); c.1965A>T, p.Lys655Asn (NM_001308632.1); short protein forms K629N, K655N.
Identifiers: ClinVar variation 4862180 (VCV004862180.1).